The following is an entry in ClinVar:

NM_001042492.3(NF1):c.856_857insC (p.Lys286fs)

Gene: NF1 (neurofibromin 1; plus strand). Cytogenetic location: 17q11.2.
Variant type: Insertion.
Coding change: c.856_857insC on transcript NM_001042492.3 (MANE Select); coding-DNA positions 856 to 857, C inserted.
Protein change: p.Lys286fs; shifts the reading frame from lysine 286.
Molecular consequence: frameshift variant.
Genome position: GRCh38 VCF-style: chr17-31182633-A-AC. GRCh37 (hg19) VCF-style: chr17-29509651-A-AC.
Other names: c.856_857insC, p.Lys286Thrfs (NM_000267.4); c.856_857insC, p.Lys286fs (NM_001128147.3); short protein forms K286fs.
Identifiers: ClinVar variation 4022769 (VCV004022769.1).

ClinVar aggregate classification (germline): Pathogenic (1 of 4 stars; one submission).

Conditions:
Cardiovascular phenotype. Identifiers: MedGen CN230736.
Hereditary cancer-predisposing syndrome. Also called: Tumor predisposition; Hereditary neoplastic syndrome; Neoplastic Syndromes, Hereditary; Hereditary Cancer Syndrome. Identifiers: Orphanet 140162, MedGen C0027672, MeSH D009386, MONDO:0015356.

Submission:

Ambry Genetics
Classification: Pathogenic for Cardiovascular phenotype; Hereditary cancer-predisposing syndrome. Last evaluated: 2025-05-15. Review status: criteria provided, single submitter. Criteria: Ambry Variant Classification Scheme 2023. Collection method: clinical testing. Allele origin: germline.
Comment: The c.856_857insC pathogenic mutation, located in coding exon 8 of the NF1 gene, results from an insertion of one nucleotide at position 856, causing a translational frameshift with a predicted alternate stop codon (p.K286Tfs*5). This variant was reported in individual(s) with features consistent with neurofibromatosis type 1 (Ambry internal data). This variant is considered to be rare based on population cohorts in the Genome Aggregation Database (gnomAD). This alteration is expected to result in loss of function by premature protein truncation or nonsense-mediated mRNA decay. As such, this alteration is interpreted as a disease-causing mutation.